The following is an entry in ClinVar:

ClinVar aggregate classification (germline): Uncertain significance (1 of 4 stars; one submission).

Conditions:
POLD1-related polyposis and colorectal cancer syndrome (CRCS10). Also called: Colorectal cancer 10; COLORECTAL CANCER, SUSCEPTIBILITY TO, ON CHROMOSOME 19q; Colorectal cancer, susceptibility to, 10. Identifiers: Orphanet 220460, MedGen C2675481, MONDO:0012953, OMIM 612591.

Submission:

Labcorp Genetics (formerly Invitae), Labcorp
Classification: Uncertain significance for POLD1-related polyposis and colorectal cancer syndrome. Last evaluated: 2020-02-21. Review status: criteria provided, single submitter. Criteria: Invitae Variant Classification Sherloc (09022015). Collection method: clinical testing. Allele origin: germline.
Comment: Missense variants that disrupt the 3'-5' exonuclease (proof-reading) activity of the POLD1 protein, are associated with an increased risk for colonic adenomatous polyps and colon cancer (PMID: 23263490, 23447401). However loss-of-function variants, which result in an absent or severely disrupted POLD1 protein, and missense variants outside the exonuclease domain, are unlikely to be associated with polyposis or colon cancer. Without further clinical and genetic evidence, this variant has been classified as a Variant of Uncertain Significance. Algorithms developed to predict the effect of sequence changes on RNA splicing suggest that this variant may disrupt the consensus splice site, but this prediction has not been confirmed by published transcriptional studies. This variant has not been reported in the literature in individuals with POLD1-related conditions. This variant is not present in population databases (ExAC no frequency). This sequence change affects a donor splice site in intron 3 of the POLD1 gene. It is expected to disrupt RNA splicing and likely results in an absent or disrupted protein product.

Literature cited by the submitters: PubMed 23263490; PubMed 23447401.

NM_002691.4(POLD1):c.316+1G>A

Gene: POLD1 (DNA polymerase delta 1, catalytic subunit; plus strand). Cytogenetic location: 19q13.33.
Variant type: single nucleotide variant.
Coding change: c.316+1G>A on transcript NM_002691.4 (MANE Select); the canonical splice donor site of the intron after coding-DNA position 316, G replaced by A.
Molecular consequence: splice donor variant.
Genome position (GRCh38, 1-based): chr19:50,399,485, G>A. VCF-style: chr19-50399485-G-A. GRCh37 (hg19) VCF-style: chr19-50902742-G-A.
Other names: c.316+1G>A (NM_001256849.1, NM_001308632.1).
Identifiers: ClinVar variation 1035772 (VCV001035772.10), dbSNP rs2038503833, ClinGen allele CA406970718.
Genomic context (GRCh38, chr19:50,399,485, plus strand): 5'-CGCTGGACCCCCAGACAGAGCCCCTCATCTTCCAACAGTTGGAGATTGACCATTATGTGG[G>A]TGAGTTTAGGGGTTATGGGTGAGTGCTGGGGCCCTGCGCTCCTGGGGCAGAGGCCGGGCC-3'